The following is an entry in ClinVar:

NM_001040716.2(PC):c.1574del (p.Thr525fs)

Gene: PC (pyruvate carboxylase; minus strand). Cytogenetic location: 11q13.2.
Variant type: Deletion.
Coding change: c.1574del on transcript NM_001040716.2 (MANE Select); coding-DNA position 1574, one base deleted (C; older notation c.1574delC).
Protein change: p.Thr525fs; shifts the reading frame from threonine 525.
Molecular consequence: frameshift variant.
Genome position (GRCh38, 1-based): chr11:66,852,776, G deleted on the plus strand (C on the coding strand, the reverse complement: PC is on the minus strand). VCF-style (leftmost placement, unchanged base first): chr11-66852775-CG-C. GRCh37 (hg19) VCF-style: chr11-66620246-CG-C.
Other names: c.1574del, p.Thr525fs (NM_000920.4, NM_022172.3); short protein forms T525fs.
Identifiers: ClinVar variation 1725793 (VCV001725793.2), dbSNP rs2495494399, ClinGen allele CA2580084616.

ClinVar aggregate classification (germline): Likely pathogenic (1 of 4 stars; one submission).

Conditions:
Pyruvate carboxylase deficiency. Also called: ATAXIA WITH LACTIC ACIDOSIS II; LEIGH NECROTIZING ENCEPHALOPATHY DUE TO PYRUVATE CARBOXYLASE DEFICIENCY; LEIGH SYNDROME DUE TO PYRUVATE CARBOXYLASE DEFICIENCY; PC DEFICIENCY; Pyruvate Carboxylase Deficiency Disease. Identifiers: Orphanet 3008, MedGen C0034341, MONDO:0009949, OMIM 266150.

Submission:

Myriad Genetics, Inc.
Classification: Likely pathogenic for Pyruvate carboxylase deficiency. Last evaluated: 2022-04-01. Review status: criteria provided, single submitter. Criteria: Myriad Women's Health Autosomal Recessive and X-Linked Classification Criteria (2021). Collection method: clinical testing. Allele origin: unknown.
Comment: NM_000920.3(PC):c.1574delC(T525Rfs*10) is expected to be pathogenic in the context of pyruvate carboxylase deficiency. This variant is predicted to lead to an abnormal or absent protein product due to the creation of a premature termination codon in PC, a gene where loss-of-function variants are known to be pathogenic. Please note: this variant was assessed in the context of healthy population screening.